The following is an entry in ClinVar:

ClinVar aggregate classification (germline): Uncertain significance (1 of 4 stars; one submission).

Conditions:
Epilepsy. Also called: Seizure disorder. Identifiers: MedGen C0014544, MeSH D004827, MONDO:0005027.

Allele frequency attached by ClinVar (database versions not stated): TOPMed 0.00004; gnomAD 0.00005; ESP Exome Variant Server 0.00008.
gnomAD v4.1: 52 of 1,577,308 alleles (0.0033%); highest among the groups gnomAD compares: South Asian, 0.0069%; no homozygotes.

Submission:

Labcorp Genetics (formerly Invitae), Labcorp
Classification: Uncertain significance for Epilepsy. Last evaluated: 2022-08-09. Review status: criteria provided, single submitter. Criteria: Invitae Variant Classification Sherloc (09022015). Collection method: clinical testing. Allele origin: germline.
Comment: This sequence change replaces arginine, which is basic and polar, with tryptophan, which is neutral and slightly polar, at codon 251 of the PIGQ protein (p.Arg251Trp). This variant is present in population databases (rs368598376, gnomAD 0.008%). This variant has not been reported in the literature in individuals affected with PIGQ-related conditions. ClinVar contains an entry for this variant (Variation ID: 1044728). Algorithms developed to predict the effect of missense changes on protein structure and function are either unavailable or do not agree on the potential impact of this missense change (SIFT: "Deleterious"; PolyPhen-2: "Benign"; Align-GVGD: "Class C0"). In summary, the available evidence is currently insufficient to determine the role of this variant in disease. Therefore, it has been classified as a Variant of Uncertain Significance.

NM_004204.5(PIGQ):c.751C>T (p.Arg251Trp)

Gene: PIGQ (phosphatidylinositol glycan anchor biosynthesis class Q; plus strand). Cytogenetic location: 16p13.3.
Variant type: single nucleotide variant.
Coding change: c.751C>T on transcript NM_004204.5 (MANE Select); coding-DNA position 751, C replaced by T.
Protein change: p.Arg251Trp; replaces arginine 251 with tryptophan.
Molecular consequence: missense variant.
Genome position (GRCh38, 1-based): chr16:575,900, C>T. VCF-style: chr16-575900-C-T. GRCh37 (hg19) VCF-style: chr16-625900-C-T.
Other names: c.751C>T, p.Arg251Trp (NM_148920.4); short protein forms R251W.
Identifiers: ClinVar variation 1044728 (VCV001044728.4), dbSNP rs368598376, ClinGen allele CA7779965.